The following is an entry in ClinVar:

ClinVar aggregate classification (germline): Uncertain significance (1 of 4 stars; one submission).

Conditions:
Inborn genetic diseases. Identifiers: MedGen C0950123, MeSH D030342.

Submission:

Ambry Genetics
Classification: Uncertain significance for Inborn genetic diseases. Last evaluated: 2025-12-07. Review status: criteria provided, single submitter. Criteria: Ambry Variant Classification Scheme 2023. Collection method: clinical testing. Allele origin: germline.
Comment: The p.P597L variant (also known as c.1790C>T), located in coding exon 20 of the FANCA gene, results from a C to T substitution at nucleotide position 1790. The proline at codon 597 is replaced by leucine, an amino acid with similar properties. This amino acid position is conserved. In addition, the in silico prediction for this alteration is inconclusive. Based on the available evidence, the clinical significance of this variant remains unclear.

NM_000135.4(FANCA):c.1790C>T (p.Pro597Leu)

Gene: FANCA (FA complementation group A; minus strand). Cytogenetic location: 16q24.3.
Variant type: single nucleotide variant.
Coding change: c.1790C>T on transcript NM_000135.4 (MANE Select); coding-DNA position 1790, C replaced by T.
Protein change: p.Pro597Leu; replaces proline 597 with leucine.
Molecular consequence: missense variant.
Genome position (GRCh38, 1-based): chr16:89,778,837, G>A on the plus strand (C>T on the coding strand, the complement: FANCA is on the minus strand). VCF-style: chr16-89778837-G-A. GRCh37 (hg19) VCF-style: chr16-89845245-G-A.
Other names: c.1790C>T, p.Pro597Leu (NM_001286167.3); short protein forms P597L.
Identifiers: ClinVar variation 4619307 (VCV004619307.1).
Genomic context (GRCh38, chr16:89,778,837, plus strand): 5'-CCCCTTCTAACCGTTGCTGCATACCTCTTCAGAGACTCTATAAACGCCACACGGGAGTCA[G>A]GGACTTTGGGGAGCTGTGGGAAGAGAAGAGACCTGTGAGAGACTGACAAGGAAAGTCCTT-3'
Protein context (NP_000126.2, residues 587-607): LLTPRVLPKV[Pro597Leu]DSRVAFIESL